The following is an entry in ClinVar:

NM_000530.8(MPZ):c.194C>A (p.Thr65Asn)

Gene: MPZ (myelin protein zero; minus strand). Cytogenetic location: 1q23.3.
Variant type: single nucleotide variant.
Coding change: c.194C>A on transcript NM_000530.8 (MANE Select); coding-DNA position 194, C replaced by A.
Protein change: p.Thr65Asn; replaces threonine 65 with asparagine.
Molecular consequence: missense variant.
Genome position (GRCh38, 1-based): chr1:161,307,298, G>T on the plus strand (C>A on the coding strand, the complement: MPZ is on the minus strand). VCF-style: chr1-161307298-G-T. GRCh37 (hg19) VCF-style: chr1-161277088-G-T.
Other names: c.194C>A (LRG_256t1); c.194C>A, p.Thr65Asn (NM_001315491.2); short protein forms T65N.
Identifiers: ClinVar variation 637928 (VCV000637928.11), dbSNP rs1571819964, ClinGen allele CA343350603.

ClinVar aggregate classification (germline): Pathogenic/Likely pathogenic. Review status: criteria provided, multiple submitters, no conflicts (2 of 4 stars). 4 submissions from 4 submitters: Pathogenic (1); Likely pathogenic (2). 1 of the submissions does not count toward it. Last evaluated 2025-01-17.

Conditions:
Charcot-Marie-Tooth disease. Also called: Charcot-Marie-Tooth Hereditary Neuropathy; Charcot-Marie-Tooth Neuropathy. Identifiers: Orphanet 166, MedGen C0007959, MONDO:0015626.
Charcot-Marie-Tooth disease, type I (CMT1). Also called: Charcot-Marie-Tooth disease type 1; Charcot-Marie-Tooth, Type 1. Identifiers: Orphanet 65753, MedGen C0751036, MONDO:0019011.
Charcot-Marie-Tooth disease type 1B. Also called: CHARCOT-MARIE-TOOTH DISEASE, AUTOSOMAL DOMINANT, WITH FOCALLY FOLDED MYELIN SHEATHS, TYPE 1B; CHARCOT-MARIE-TOOTH DISEASE, SLOW NERVE CONDUCTION TYPE, LINKED TO DUFFY; CHARCOT-MARIE-TOOTH NEUROPATHY, TYPE 1B; HEREDITARY MOTOR AND SENSORY NEUROPATHY I; HEREDITARY MOTOR AND SENSORY NEUROPATHY IB; PERONEAL MUSCULAR ATROPHY. Identifiers: Orphanet 101082, MedGen C0270912, MONDO:0007307, OMIM 118200.

Submissions (4):

Athena Diagnostics
Classification: Likely pathogenic. Last evaluated: 2025-01-17. Review status: criteria provided, single submitter. Criteria: Athena Diagnostics Criteria. Collection method: clinical testing. Allele origin: unknown.
Comment: The frequency of this variant in the general population is consistent with pathogenicity. This variant has been identified in multiple individuals with Charcot-Marie-Tooth disease, including at least one de novo. Polyphen and MutationTaster predict this amino acid change may be damaging to the protein. The variant is located in a region that is considered important for protein function and/or structure.

Labcorp Genetics (formerly Invitae), Labcorp
Classification: Pathogenic for Charcot-Marie-Tooth disease, type I. Last evaluated: 2022-08-16. Review status: criteria provided, single submitter. Criteria: Invitae Variant Classification Sherloc (09022015). Collection method: clinical testing. Allele origin: germline.
Comment: ClinVar contains an entry for this variant (Variation ID: 637928). This sequence change replaces threonine, which is neutral and polar, with asparagine, which is neutral and polar, at codon 65 of the MPZ protein (p.Thr65Asn). This variant is not present in population databases (gnomAD no frequency). This missense change has been observed in individual(s) with MPZ-related conditions (PMID: 20456450). In at least one individual the variant was observed to be de novo. Algorithms developed to predict the effect of missense changes on protein structure and function (SIFT, PolyPhen-2, Align-GVGD) all suggest that this variant is likely to be disruptive. This variant disrupts the p.Thr65 amino acid residue in MPZ. Other variant(s) that disrupt this residue have been observed in individuals with MPZ-related conditions (PMID: 12402337, 15036333, 15050444, 20456450, 31211173), which suggests that this may be a clinically significant amino acid residue. For these reasons, this variant has been classified as Pathogenic.

Mendelics
Classification: Likely pathogenic for Charcot-Marie-Tooth disease type 1B. Last evaluated: 2022-05-04. Review status: criteria provided, single submitter. Criteria: Mendelics Assertion Criteria 2019. Collection method: clinical testing. Allele origin: germline.

Inherited Neuropathy Consortium
Classification: Uncertain significance for Charcot-Marie-Tooth disease. Review status: no assertion criteria provided. Collection method: literature only. Allele origin: germline. Affected: yes. Not counted in ClinVar's aggregate classification.

Literature cited by the submitters: PubMed 20456450 (cited by 3 submitters); PubMed 26310628 (cited by Athena Diagnostics); PubMed 32506583 (cited by Athena Diagnostics); PubMed 29687021 (cited by Athena Diagnostics); PubMed 12402337 (cited by Labcorp Genetics (formerly Invitae), Labcorp); PubMed 15036333 (cited by Labcorp Genetics (formerly Invitae), Labcorp); PubMed 15050444 (cited by Labcorp Genetics (formerly Invitae), Labcorp); PubMed 31211173 (cited by Labcorp Genetics (formerly Invitae), Labcorp).